The following is an entry in ClinVar:

ClinVar aggregate classification (germline): Likely benign. Review status: criteria provided, multiple submitters, no conflicts (2 of 4 stars). 2 submissions from 2 submitters: Likely benign (2). Last evaluated 2025-10-08.

gnomAD v4.1: 11 of 1,614,124 alleles (0.00068%); highest among the groups gnomAD compares: Non-Finnish European, 0.00093%; no homozygotes.

Submissions (2):

Labcorp Genetics (formerly Invitae), Labcorp
Classification: Likely benign. Last evaluated: 2025-10-08. Review status: criteria provided, single submitter. Criteria: Invitae Variant Classification Sherloc (09022015). Collection method: clinical testing. Allele origin: germline.

CeGaT Center for Human Genetics Tuebingen
Classification: Likely benign. Last evaluated: 2024-11-01. Review status: criteria provided, single submitter. Criteria: CeGaT Center For Human Genetics Tuebingen Variant Classification Criteria Version 2. Collection method: clinical testing. Allele origin: germline. Affected: yes. Observed: 1 variant allele.
Comment: NTRK2: BP4, BP7

NM_006180.6(NTRK2):c.2136G>A (p.Gly712=)

Gene: NTRK2 (neurotrophic receptor tyrosine kinase 2; plus strand). Cytogenetic location: 9q21.33.
Variant type: single nucleotide variant.
Coding change: c.2136G>A on transcript NM_006180.6 (MANE Select); coding-DNA position 2136, G replaced by A.
Protein change: p.Gly712=; no amino-acid change (glycine 712 retained).
Molecular consequence: synonymous variant.
Genome position (GRCh38, 1-based): chr9:84,955,481, G>A. VCF-style: chr9-84955481-G-A. GRCh37 (hg19) VCF-style: chr9-87570396-G-A.
Other names: c.2088G>A, p.Gly696= (NM_001018064.3, NM_001369532.1, NM_001369533.1); c.2052G>A, p.Gly684= (NM_001369534.1); c.1620G>A, p.Gly540= (NM_001369535.1); c.1668G>A, p.Gly556= (NM_001369536.1).
Identifiers: ClinVar variation 3390062 (VCV003390062.15).
Genomic context (GRCh38, chr9:84,955,481, plus strand): 5'-TTTGGCCACCAGGAACTGCCTGGTCGGGGAGAACTTGCTGGTGAAAATCGGGGACTTTGG[G>A]ATGTCCCGGGACGTGTACAGCACTGACTACTACAGGGTGAGTAGCTGTGCAGATCAGAGA-3'
Protein context (NP_006171.2, residues 702-722): ENLLVKIGDF[Gly712=]MSRDVYSTDY